The following is an entry in ClinVar:

ClinVar aggregate classification (germline): Likely pathogenic (1 of 4 stars; one submission).

Conditions:
Cardiovascular phenotype. Identifiers: MedGen CN230736.

Submission:

Ambry Genetics
Classification: Likely pathogenic for Cardiovascular phenotype. Last evaluated: 2021-04-01. Review status: criteria provided, single submitter. Criteria: Ambry Variant Classification Scheme 2023. Collection method: clinical testing. Allele origin: germline.
Comment: The p.Q8077* variant (also known as c.24229C>T), located in coding exon 98 of the TTN gene, results from a C to T substitution at nucleotide position 24229. This changes the amino acid from a glutamine to a stop codon within coding exon 98. This exon is located in the A-band region of the N2-B isoform of the titin protein and is constitutively expressed in TTN transcripts (percent spliced in or PSI 100%). This alteration is expected to result in loss of function by premature protein truncation or nonsense-mediated mRNA decay. While truncating variants in TTN are present in 1-3% of the general population, truncating variants in the A-band are the most common cause of dilated cardiomyopathy (DCM) (Herman DS et al. N. Engl. J. Med., 2012 Feb;366:619-28; Roberts AM et al. Sci Transl Med, 2015 Jan;7:270ra6). TTN truncating variants encoded in constitutive exons (PSI >90%) have been found to be significantly associated with DCM regardless of their position in titin (Schafer S et al. Nat. Genet., 2017 01;49:46-53). As such, this alteration is classified as likely pathogenic.

NM_001267550.2(TTN):c.51424C>T (p.Gln17142Ter)

Genes: TTN (titin; minus strand), TTN-AS1 (TTN antisense RNA 1; plus strand). Cytogenetic location: 2q31.2.
Variant type: single nucleotide variant.
Coding change: c.51424C>T on transcript NM_001267550.2 (MANE Select); coding-DNA position 51424, C replaced by T.
Protein change: p.Gln17142Ter; replaces glutamine 17142 with a stop codon.
Molecular consequence: nonsense.
Genome position (GRCh38, 1-based): chr2:178,610,102, G>A on the plus strand (C>T on the coding strand, the complement: TTN is on the minus strand). VCF-style: chr2-178610102-G-A. GRCh37 (hg19) VCF-style: chr2-179474829-G-A.
Other names: c.46501C>T, p.Gln15501Ter (NM_001256850.1); c.24229C>T, p.Gln8077Ter (NM_003319.4); c.43720C>T, p.Gln14574Ter (NM_133378.4); c.24604C>T, p.Gln8202Ter (NM_133432.3); c.24805C>T, p.Gln8269Ter (NM_133437.4); short protein forms Q8202*, Q8269*, Q14574*, Q17142*, Q8077*, Q15501*.
Identifiers: ClinVar variation 1791035 (VCV001791035.2), dbSNP rs2470424243, ClinGen allele CA349585967.